The following is an entry in ClinVar:

NM_000194.3(HPRT1):c.319-2A>G

Gene: HPRT1 (hypoxanthine phosphoribosyltransferase 1; plus strand). Cytogenetic location: Xq26.2.
Variant type: single nucleotide variant.
Coding change: c.319-2A>G on transcript NM_000194.3 (MANE Select); the canonical splice acceptor site of the intron before coding-DNA position 319, A replaced by G.
Molecular consequence: splice acceptor variant.
Genome position (GRCh38, 1-based): chrX:134,486,463, A>G. VCF-style: chrX-134486463-A-G. GRCh37 (hg19) VCF-style: chrX-133620493-A-G.
Identifiers: ClinVar variation 645956 (VCV000645956.1), dbSNP rs1602745376, ClinGen allele CA414713593.

ClinVar aggregate classification (germline): Pathogenic (1 of 4 stars; one submission).

Conditions:
Partial hypoxanthine-guanine phosphoribosyltransferase deficiency. Also called: GOUT, HPRT-RELATED; HPRT DEFICIENCY, PARTIAL; HYPOXANTHINE GUANINE PHOSPHORIBOSYLTRANSFERASE 1 DEFICIENCY, PARTIAL; Kelley-Seegmiller Syndrome; HPRT1 DEFICIENCY, PARTIAL. Identifiers: Orphanet 79233, MedGen C0268117, MONDO:0010299, OMIM 300323.
Lesch-Nyhan syndrome (LNS). Also called: HPRT DEFICIENCY, COMPLETE; Lesch-Nyhan Disease (LND). Identifiers: Orphanet 510, MedGen C0023374, MONDO:0010298, OMIM 300322.

Allele frequency attached by ClinVar (database versions not stated): gnomAD exomes below 0.00001.
gnomAD v4.1: 1 of 1,071,692 alleles (0.000093%); highest among the groups gnomAD compares: Non-Finnish European, 0.00013%; no homozygotes.

Submission:

Labcorp Genetics (formerly Invitae), Labcorp
Classification: Pathogenic for Lesch-Nyhan syndrome; Partial hypoxanthine-guanine phosphoribosyltransferase deficiency. Last evaluated: 2018-07-24. Review status: criteria provided, single submitter. Criteria: Invitae Variant Classification Sherloc (09022015). Collection method: clinical testing. Allele origin: germline.
Comment: This sequence change affects an acceptor splice site in intron 3 of the HPRT1 gene. It is expected to disrupt RNA splicing and likely results in an absent or disrupted protein product. This variant is not present in population databases (ExAC no frequency). This variant has been observed in individuals affected with clinical features consistent of Lesch-Nyhan syndrome (PMID: 11018746, Invitae).Â¬â€ This variant is also known as IVS3-2A>G in the literature. Donor and acceptor splice site variants typically lead to a loss of protein function (PMID: 16199547), and loss-of-function variants in HPRT1 are known to be pathogenic (PMID: 15571220, 17027311, 22157001). For these reasons, this variant has been classified as Pathogenic.

Literature cited by the submitters: PubMed 22157001; PubMed 15571220; PubMed 11018746; PubMed 17027311.